The following is an entry in ClinVar:

ClinVar aggregate classification (germline): Likely benign. Review status: criteria provided, multiple submitters, no conflicts (2 of 4 stars). 2 submissions from 2 submitters: Likely benign (2). Last evaluated 2025-12-17.

Conditions:
Cryopyrin associated periodic syndrome (CAPS). Identifiers: Orphanet 208650, MedGen C2316212, MONDO:0016168.

Allele frequency attached by ClinVar (database versions not stated): gnomAD 0.00001; gnomAD exomes 0.00001 and 0.00005; TOPMed 0.00002.
gnomAD v4.1: 69 of 1,614,032 alleles (0.0043%); highest among the groups gnomAD compares: Non-Finnish European, 0.0057%; no homozygotes.

Submissions (2):

Labcorp Genetics (formerly Invitae), Labcorp
Classification: Likely benign for Cryopyrin associated periodic syndrome. Last evaluated: 2025-12-17. Review status: criteria provided, single submitter. Criteria: Invitae Variant Classification Sherloc (09022015). Collection method: clinical testing. Allele origin: germline.

GeneDx
Classification: Likely benign. Last evaluated: 2018-03-01. Review status: criteria provided, single submitter. Criteria: GeneDx Variant Classification (06012015). Collection method: clinical testing. Allele origin: germline. Affected: yes.
Comment: This variant is considered likely benign or benign based on one or more of the following criteria: it is a conservative change, it occurs at a poorly conserved position in the protein, it is predicted to be benign by multiple in silico algorithms, and/or has population frequency not consistent with disease.

NM_001243133.2(NLRP3):c.2151-11C>T

Gene: NLRP3 (NLR family pyrin domain containing 3; plus strand). Cytogenetic location: 1q44.
Variant type: single nucleotide variant.
Coding change: c.2151-11C>T on transcript NM_001243133.2 (MANE Select); 11 bases into the intron before coding-DNA position 2151, C replaced by T.
Molecular consequence: intron variant.
Genome position (GRCh38, 1-based): chr1:247,429,574, C>T. VCF-style: chr1-247429574-C-T. GRCh37 (hg19) VCF-style: chr1-247592876-C-T.
Other names: c.2157-11C>T (NM_004895.5); c.2151-11C>T (NM_001127461.3, NM_001079821.3); c.2150+3975C>T (NM_001127462.3, NM_183395.3).
Identifiers: ClinVar variation 515884 (VCV000515884.7), dbSNP rs201019209, ClinGen allele CA40695713.
Genomic context (GRCh38, chr1:247,429,574, plus strand): 5'-CGGCCCCCAGCTCCAGTTAGTTATTATTCGAGGCTGATTTCTTTTCTGTCTGTCTTCCTT[C>T]TAATTCCTAGATTGGTGAACAGCCACCTCACTTCCAGTTTTTGCCGGGGCCTCTTTTCAG-3'